The following is an entry in ClinVar:

NM_152383.5(DIS3L2):c.2608A>G (p.Lys870Glu)

Gene: DIS3L2 (DIS3 like 3'-5' exoribonuclease 2; plus strand). Cytogenetic location: 2q37.1.
Variant type: single nucleotide variant.
Coding change: c.2608A>G on transcript NM_152383.5 (MANE Select); coding-DNA position 2608, A replaced by G.
Protein change: p.Lys870Glu; replaces lysine 870 with glutamic acid.
Molecular consequence: missense variant. On other transcripts: non-coding transcript variant (2), intron variant (1).
Genome position (GRCh38, 1-based): chr2:232,336,580, A>G. VCF-style: chr2-232336580-A-G. GRCh37 (hg19) VCF-style: chr2-233201290-A-G.
Other names: c.1582-6765A>G (NM_001257281.2); short protein forms K870E.
Identifiers: ClinVar variation 463111 (VCV000463111.15), dbSNP rs775252407, ClinGen allele CA2164629.

ClinVar aggregate classification (germline): Uncertain significance. Review status: criteria provided, multiple submitters, no conflicts (2 of 4 stars). 5 submissions from 5 submitters: Uncertain significance (4). 1 of the submissions does not count toward it. Last evaluated 2026-01-05.

Conditions:
Inborn genetic diseases. Identifiers: MedGen C0950123, MeSH D030342.
Perlman syndrome (PRLMNS). Identifiers: Orphanet 2849, MedGen C0796113, MONDO:0009965, OMIM 267000.

Allele frequency attached by ClinVar (database versions not stated): gnomAD exomes 0.00006 and 0.00012; TOPMed 0.00007; gnomAD 0.00009 and 0.00010; ExAC 0.00013.
gnomAD v4.1: 97 of 1,608,770 alleles (0.006%); highest among the groups gnomAD compares: East Asian, 0.025%; 1 homozygote.

Submissions (5):

Labcorp Genetics (formerly Invitae), Labcorp
Classification: Uncertain significance for Perlman syndrome. Last evaluated: 2026-01-05. Review status: criteria provided, single submitter. Criteria: Invitae Variant Classification Sherloc (09022015). Collection method: clinical testing. Allele origin: germline.
Comment: This sequence change replaces lysine, which is basic and polar, with glutamic acid, which is acidic and polar, at codon 870 of the DIS3L2 protein (p.Lys870Glu). This variant is present in population databases (rs775252407, gnomAD 0.04%). This variant has not been reported in the literature in individuals affected with DIS3L2-related conditions. ClinVar contains an entry for this variant (Variation ID: 463111). Experimental studies and prediction algorithms are not available or were not evaluated, and the functional significance of this variant is currently unknown. In summary, the available evidence is currently insufficient to determine the role of this variant in disease. Therefore, it has been classified as a Variant of Uncertain Significance.

Ambry Genetics
Classification: Uncertain significance for Inborn genetic diseases. Last evaluated: 2025-09-27. Review status: criteria provided, single submitter. Criteria: Ambry Variant Classification Scheme 2023. Collection method: clinical testing. Allele origin: germline.

Fulgent Genetics
Classification: Uncertain significance for Perlman syndrome. Last evaluated: 2018-10-31. Review status: criteria provided, single submitter. Criteria: ACMG Guidelines, 2015. Collection method: clinical testing. Allele origin: unknown.

Breakthrough Genomics
Classification: Uncertain significance. Review status: criteria provided, single submitter. Criteria: ACMG Guidelines, 2015. Collection method: not provided. Allele origin: germline. Inheritance: Autosomal recessive inheritance. Affected: yes.

Genetic Services Laboratory, University of Chicago
Classification: Uncertain significance. Last evaluated: 2022-12-15. Review status: no assertion criteria provided. Collection method: clinical testing. Allele origin: germline. Affected: no. Not counted in ClinVar's aggregate classification.
Comment: DNA sequence analysis of the DIS3L2 gene demonstrated a sequence change, c.2608A>G, in exon 21 that results in an amino acid change, p.Lys870Glu. This sequence change does not appear to have been previously described in individuals with DIS3L2-related disorders. This sequence change has been described in the gnomAD database with a frequency of 0.012% in the overall population (dbSNP rs775252407). The p.Lys870Glu change affects a poorly conserved amino acid residue located in a domain of the DIS3L2 protein that is not known to be functional. The p.Lys870Glu substitution appears to be benign using several in-silico pathogenicity prediction tools (SIFT, PolyPhen2, Align GVGD, REVEL). Due to insufficient evidences and the lack of functional studies, the clinical significance of the p.Lys870Glu change remains unknown at this time.